The following is an entry in ClinVar:

NM_000497.4(CYP11B1):c.476C>T (p.Pro159Leu)

Genes: CYP11B1 (cytochrome P450 family 11 subfamily B member 1; minus strand), LOC106799833 (CYP11B1 recombination region; plus strand). Cytogenetic location: 8q24.3.
Variant type: single nucleotide variant.
Coding change: c.476C>T on transcript NM_000497.4 (MANE Select); coding-DNA position 476, C replaced by T.
Protein change: p.Pro159Leu; replaces proline 159 with leucine.
Molecular consequence: missense variant.
Genome position (GRCh38, 1-based): chr8:142,877,142, G>A on the plus strand (C>T on the coding strand, the complement: CYP11B1 is on the minus strand). VCF-style: chr8-142877142-G-A. GRCh37 (hg19) VCF-style: chr8-143958558-G-A.
Other names: c.476C>T, p.Pro159Leu (NM_001026213.1); short protein forms P159L.
Identifiers: ClinVar variation 804731 (VCV000804731.2), dbSNP rs370266763, ClinGen allele CA4905427.

ClinVar aggregate classification (germline): Conflicting classifications of pathogenicity. Review status: criteria provided, conflicting classifications (1 of 4 stars). 2 submissions from 2 submitters: Likely pathogenic (1); Uncertain significance (1). Last evaluated 2023-03-15.

Conditions:
Congenital adrenal hyperplasia. Identifiers: Orphanet 418, MedGen C0001627, MONDO:0018479, HP:0008258.

Allele frequency attached by ClinVar (database versions not stated): TOPMed below 0.00001; gnomAD exomes 0.00001; ExAC 0.00002; ESP Exome Variant Server 0.00008.

Submissions (2):

Women's Health and Genetics/Laboratory Corporation of America, LabCorp
Classification: Likely pathogenic for Congenital adrenal hyperplasia. Last evaluated: 2023-03-15. Review status: criteria provided, single submitter. Criteria: LabCorp Variant Classification Summary - May 2015. Collection method: clinical testing. Allele origin: germline.
Comment: Variant summary: CYP11B1 c.476C>T (p.Pro159Leu) results in a non-conservative amino acid change in the encoded protein sequence. Five of five in-silico tools predict a damaging effect of the variant on protein function. The variant allele was found at a frequency of 8e-06 in 251232 control chromosomes. c.476C>T has been reported in the literature in a homozygous individual affected with non-classical Congenital Adrenal Hyperplasia (Parajes_2010). These data indicate that the variant is likely to be associated with disease. At least one publication reports experimental evidence evaluating an impact on protein function. The most pronounced variant effect results in 10%-<30% of normal 11OHD activity (Parajes_2010). One clinical diagnostic laboratory has submitted clinical-significance assessments for this variant to ClinVar after 2014 without evidence for independent evaluation. One laboratory classified the variant as uncertain significance. Based on the evidence outlined above, the variant was classified as likely pathogenic.

Athena Diagnostics
Classification: Uncertain significance. Last evaluated: 2019-07-30. Review status: criteria provided, single submitter. Criteria: Athena Diagnostics Criteria. Collection method: clinical testing. Allele origin: germline.

Literature cited by the submitters: PubMed 20089618 (cited by Women's Health and Genetics/Laboratory Corporation of America, LabCorp and Athena Diagnostics).